The following is an entry in ClinVar:

NM_001033855.3(DCLRE1C):c.1058A>G (p.Glu353Gly)

Gene: DCLRE1C (DNA cross-link repair 1C; minus strand). Cytogenetic location: 10p13.
Variant type: single nucleotide variant.
Coding change: c.1058A>G on transcript NM_001033855.3 (MANE Select); coding-DNA position 1058, A replaced by G.
Protein change: p.Glu353Gly; replaces glutamic acid 353 with glycine.
Molecular consequence: missense variant. On other transcripts: non-coding transcript variant (4).
Genome position (GRCh38, 1-based): chr10:14,922,984, T>C on the plus strand (A>G on the coding strand, the complement: DCLRE1C is on the minus strand). VCF-style: chr10-14922984-T-C. GRCh37 (hg19) VCF-style: chr10-14964983-T-C.
Other names: c.698A>G, p.Glu233Gly (NM_001033857.3, NM_001033858.3, NM_001289077.2 and 2 more transcripts); c.713A>G, p.Glu238Gly (NM_001289076.2, NM_001289078.2, NM_001350966.2 and 1 more transcripts); c.1058A>G, p.Glu353Gly (NM_001350965.2); short protein forms E233G, E238G, E353G.
Identifiers: ClinVar variation 1011156 (VCV001011156.6), dbSNP rs1837362613, ClinGen allele CA376055475.

ClinVar aggregate classification (germline): Uncertain significance (1 of 4 stars; one submission).

Conditions:
Severe combined immunodeficiency due to DCLRE1C deficiency (RS-SCID). Also called: SCID, AUTOSOMAL RECESSIVE, T CELL-NEGATIVE, B CELL-NEGATIVE, NK CELL-POSITIVE, WITH SENSITIVITY TO IONIZING RADIATION. Identifiers: Orphanet 275, MedGen C1865371, MONDO:0011225, OMIM 602450.

Allele frequency attached by ClinVar (database versions not stated): TOPMed 0.00001.

Submission:

Labcorp Genetics (formerly Invitae), Labcorp
Classification: Uncertain significance for Athabaskan severe combined immunodeficiency. Last evaluated: 2021-08-26. Review status: criteria provided, single submitter. Criteria: Invitae Variant Classification Sherloc (09022015). Collection method: clinical testing. Allele origin: germline.
Comment: This sequence change replaces glutamic acid with glycine at codon 353 of the DCLRE1C protein (p.Glu353Gly). The glutamic acid residue is moderately conserved and there is a moderate physicochemical difference between glutamic acid and glycine. This variant is not present in population databases (ExAC no frequency). This variant has not been reported in the literature in individuals affected with DCLRE1C-related conditions. Algorithms developed to predict the effect of missense changes on protein structure and function (SIFT, PolyPhen-2, Align-GVGD) all suggest that this variant is likely to be tolerated. In summary, the available evidence is currently insufficient to determine the role of this variant in disease. Therefore, it has been classified as a Variant of Uncertain Significance.